The following is an entry in ClinVar:

ClinVar aggregate classification (germline): Uncertain significance. Review status: criteria provided, multiple submitters, no conflicts (2 of 4 stars). 2 submissions from 2 submitters: Uncertain significance (2). Last evaluated 2025-03-04.

Conditions:
Inborn genetic diseases. Identifiers: MedGen C0950123, MeSH D030342.

Submissions (2):

Ambry Genetics
Classification: Uncertain significance for Inborn genetic diseases. Last evaluated: 2025-03-04. Review status: criteria provided, single submitter. Criteria: Ambry Variant Classification Scheme 2023. Collection method: clinical testing. Allele origin: germline.
Comment: The p.V1067L variant (also known as c.3199G>C), located in coding exon 1 of the SAMD9 gene, results from a G to C substitution at nucleotide position 3199. The valine at codon 1067 is replaced by leucine, an amino acid with highly similar properties. This amino acid position is conserved. In addition, this alteration is predicted to be tolerated by in silico analysis. Based on the available evidence, the clinical significance of this variant remains unclear.

GeneDx
Classification: Uncertain significance. Last evaluated: 2024-04-16. Review status: criteria provided, single submitter. Criteria: GeneDx Variant Classification Process June 2021. Collection method: clinical testing. Allele origin: germline. Affected: yes.
Comment: Not observed at significant frequency in large population cohorts (gnomAD); In silico analysis indicates that this missense variant does not alter protein structure/function; Has not been previously published as pathogenic or benign to our knowledge; This variant is associated with the following publications: (PMID: 28545555)

NM_017654.4(SAMD9):c.3199G>C (p.Val1067Leu)

Gene: SAMD9 (sterile alpha motif domain containing 9; minus strand). Cytogenetic location: 7q21.2.
Variant type: single nucleotide variant.
Coding change: c.3199G>C on transcript NM_017654.4 (MANE Select); coding-DNA position 3199, G replaced by C.
Protein change: p.Val1067Leu; replaces valine 1067 with leucine.
Molecular consequence: missense variant.
Genome position (GRCh38, 1-based): chr7:93,102,899, C>G on the plus strand (G>C on the coding strand, the complement: SAMD9 is on the minus strand). VCF-style: chr7-93102899-C-G. GRCh37 (hg19) VCF-style: chr7-92732212-C-G.
Other names: c.3199G>C, p.Val1067Leu (NM_001193307.2); short protein forms V1067L.
Identifiers: ClinVar variation 3372697 (VCV003372697.2).
Genomic context (GRCh38, chr7:93,102,899, plus strand): 5'-CTTGGCAAATGAATGCATTTGGGTTGAACCGATGGATACTTTCAAGCAATACAGCTTCAA[C>G]TGCTTCATTTCCTTCATCTTTATGTAATGCTTCAATAAATGGGGAAAACCAATTTCCTGT-3'
Protein context (NP_060124.2, residues 1057-1077): ALHKDEGNEA[Val1067Leu]EAVLLESIHR